The following is an entry in ClinVar:

NM_000169.3(GLA):c.269G>T (p.Cys90Phe)

Genes: GLA (galactosidase alpha; minus strand), RPL36A-HNRNPH2 (RPL36A-HNRNPH2 readthrough; plus strand). Cytogenetic location: Xq22.1.
Variant type: single nucleotide variant.
Coding change: c.269G>T on transcript NM_000169.3 (MANE Select); coding-DNA position 269, G replaced by T.
Protein change: p.Cys90Phe; replaces cysteine 90 with phenylalanine.
Molecular consequence: missense variant. On other transcripts: non-coding transcript variant (3), intron variant (2).
Genome position (GRCh38, 1-based): chrX:101,403,911, C>A on the plus strand (G>T on the coding strand, the complement: GLA is on the minus strand). VCF-style: chrX-101403911-C-A. GRCh37 (hg19) VCF-style: chrX-100658899-C-A.
Other names: c.392G>T, p.Cys131Phe (NM_001406747.1, NM_001406749.1); c.269G>T, p.Cys90Phe (NM_001406748.1); c.301-8025C>A (NM_001199973.2); c.178-8025C>A (NM_001199974.2); short protein forms C131F, C90F.
Identifiers: ClinVar variation 4974874 (VCV004974874.1).

ClinVar aggregate classification (germline): Likely pathogenic (1 of 4 stars; one submission).

Conditions:
Fabry disease. Also called: Fabry's disease; ALPHA-GALACTOSIDASE A DEFICIENCY; ANDERSON-FABRY DISEASE; CERAMIDE TRIHEXOSIDASE DEFICIENCY; GLA DEFICIENCY; HEREDITARY DYSTOPIC LIPIDOSIS. Identifiers: Orphanet 324, MedGen C0002986, MONDO:0010526, OMIM 301500, HP:0001071. Disease mechanism: Fabry disease is due to inactivating mutations in the X-linked GLA gene resulting in deficiency of the enzyme Alpha Galactosidase-A., loss of function.

Submission:

Genomenon, Inc
Classification: Likely pathogenic for Fabry disease. Last evaluated: 2026-09-08. Review status: criteria provided, single submitter. Criteria: Genomenon Sequence Variant Interpretation Standards - Updated. Collection method: curation. Allele origin: germline. Affected: no.
Comment: GLA p.Cys90Phe (c.269G>T) is a missense variant that changes the amino acid at codon 90 from Cysteine to Phenylalanine. To our knowledge, this variant has not been reported in patients affected with Fabry disease in the published literature. At least one functional study has demonstrated a substantial alteration in protein function relative to the wild-type (PMID:26044846). This variant is located in a mutational hotspot and/or important functional domain. It is absent or not present at a significant frequency in gnomAD. In silico models predict that this variant is possibly or probably damaging. In conclusion, we classify GLA p.Cys90Phe (c.269G>T) as a likely pathogenic variant.

Literature cited by the submitters: PubMed 26044846.